The following is an entry in ClinVar:

ClinVar aggregate classification (germline): Pathogenic (1 of 4 stars; one submission).

Conditions:
Maple syrup urine disease (MSUD). Identifiers: Orphanet 511, MedGen C0024776, MeSH D008375, MONDO:0009563. Disease mechanism: loss of function.

Submission:

Labcorp Genetics (formerly Invitae), Labcorp
Classification: Pathogenic for Maple syrup urine disease. Last evaluated: 2023-06-16. Review status: criteria provided, single submitter. Criteria: Invitae Variant Classification Sherloc (09022015). Collection method: clinical testing. Allele origin: germline.
Comment: This sequence change creates a premature translational stop signal (p.Tyr65*) in the BCKDHB gene. It is expected to result in an absent or disrupted protein product. Loss-of-function variants in BCKDHB are known to be pathogenic (PMID: 16786533, 22593002). This variant is not present in population databases (gnomAD no frequency). This variant has not been reported in the literature in individuals affected with BCKDHB-related conditions. Algorithms developed to predict the effect of sequence changes on RNA splicing suggest that this variant may disrupt the consensus splice site. For these reasons, this variant has been classified as Pathogenic.

Literature cited by the submitters: PubMed 16786533; PubMed 22593002.

NM_183050.4(BCKDHB):c.195C>G (p.Tyr65Ter)

Gene: BCKDHB (branched chain keto acid dehydrogenase E1 subunit beta; plus strand). Cytogenetic location: 6q14.1.
Variant type: single nucleotide variant.
Coding change: c.195C>G on transcript NM_183050.4 (MANE Select); coding-DNA position 195, C replaced by G.
Protein change: p.Tyr65Ter; replaces tyrosine 65 with a stop codon.
Molecular consequence: nonsense. On other transcripts: non-coding transcript variant (6), intron variant (2).
Genome position (GRCh38, 1-based): chr6:80,106,888, C>G. VCF-style: chr6-80106888-C-G. GRCh37 (hg19) VCF-style: chr6-80816605-C-G.
Other names: c.195C>G, p.Tyr65Ter (NM_000056.5, NM_001424035.1, NM_001424036.1 and 8 more transcripts); c.-15+205C>G (NM_001318975.1); c.-15+45C>G (NM_001424043.1); short protein forms Y65*.
Identifiers: ClinVar variation 2717849 (VCV002717849.3), dbSNP rs1402634815, ClinGen allele CA364658455.
Genomic context (GRCh38, chr6:80,106,888, plus strand): 5'-GGCCCAGAGGCGGCAGGTGGCTCATTTTACTTTCCAGCCAGATCCGGAGCCCCGGGAGTA[C>G]GGTGAGCCCTGGGACTGCCCACTCGGTCCCGCTGCAGCCCGGACTCCCAGGCTCGCAGGC-3'